The following is an entry in ClinVar:

ClinVar aggregate classification (germline): Pathogenic (1 of 4 stars; one submission).

Conditions:
Autosomal recessive nonsyndromic hearing loss 77. Identifiers: Orphanet 90636, MedGen C2746083, MONDO:0013119, OMIM 613079.

Submission:

Myriad Genetics, Inc.
Classification: Pathogenic for Autosomal recessive nonsyndromic hearing loss 77. Last evaluated: 2025-10-08. Review status: criteria provided, single submitter. Criteria: Myriad Autosomal Dominant, Autosomal Recessive and X-Linked Classification Criteria (2023). Collection method: clinical testing. Allele origin: unknown.
Comment: NM_144612.6(LOXHD1):c.5405delG(G1802Afs*18) is expected to be pathogenic in the context of nonsyndromic hearing loss, LOXHD1-related. This variant is predicted to lead to an abnormal or absent protein product due to the creation of a premature termination codon in LOXHD1, a gene where loss-of-function variants are known to be pathogenic. Please note: this variant was assessed in the context of healthy population screening.

NM_001384474.1(LOXHD1):c.5591del (p.Gly1864fs)

Gene: LOXHD1 (lipoxygenase homology PLAT domains 1; minus strand). Cytogenetic location: 18q21.1.
Variant type: Deletion.
Coding change: c.5591del on transcript NM_001384474.1 (MANE Select); coding-DNA position 5591, one base deleted (G; older notation c.5591delG).
Protein change: p.Gly1864fs; shifts the reading frame from glycine 1864.
Molecular consequence: frameshift variant.
Genome position (GRCh38, 1-based): chr18:46,507,639, C deleted on the plus strand (G on the coding strand, the reverse complement: LOXHD1 is on the minus strand); the first of 3 consecutive C bases (chr18:46,507,639-46,507,641); deleting any one gives the same sequence. VCF-style (leftmost placement, unchanged base first): chr18-46507638-GC-G. GRCh37 (hg19) VCF-style: chr18-44087601-GC-G.
Other names: c.2258del, p.Gly753fs (NM_001145472.3); c.308del, p.Gly103fs (NM_001145473.3, NM_001173129.2); c.1970del, p.Gly657fs (NM_001308013.2); c.5405del, p.Gly1802fs (NM_144612.7); short protein forms G103fs, G1802fs, G1864fs, G657fs, G753fs.
Identifiers: ClinVar variation 5015063 (VCV005015063.1).